The following is an entry in ClinVar:

ClinVar aggregate classification (germline): Benign/Likely benign. Review status: criteria provided, multiple submitters, no conflicts (2 of 4 stars). 3 submissions from 3 submitters: Benign (2); Likely benign (1). Last evaluated 2026-02-04.

Conditions:
ALG1-congenital disorder of glycosylation. Also called: ALG1-CDG; CONGENITAL DISORDER OF GLYCOSYLATION, TYPE Ik; CDG Ik. Identifiers: Orphanet 79327, MedGen C2931005, MONDO:0012052, OMIM 608540.

Allele frequency attached by ClinVar (database versions not stated): ESP Exome Variant Server 0.00023; gnomAD 0.00059 and 0.00099; TOPMed 0.00201; gnomAD exomes 0.00230; ExAC 0.00231; 1000 Genomes Project 30x 0.00547; 1000 Genomes Project 0.00619.
gnomAD v4.1: 2,254 of 1,609,364 alleles (0.14%); highest among the groups gnomAD compares: East Asian, 3.7%; 38 homozygotes.

Submissions (3):

Labcorp Genetics (formerly Invitae), Labcorp
Classification: Benign for ALG1-congenital disorder of glycosylation. Last evaluated: 2026-02-04. Review status: criteria provided, single submitter. Criteria: Invitae Variant Classification Sherloc (09022015). Collection method: clinical testing. Allele origin: germline.

Fulgent Genetics
Classification: Benign for ALG1-congenital disorder of glycosylation. Last evaluated: 2021-08-12. Review status: criteria provided, single submitter. Criteria: ACMG Guidelines, 2015. Collection method: clinical testing. Allele origin: unknown.

GeneDx
Classification: Likely benign. Last evaluated: 2016-02-10. Review status: criteria provided, single submitter. Criteria: GeneDx Variant Classification (06012015). Collection method: clinical testing. Allele origin: germline. Affected: yes.
Comment: This variant is considered likely benign or benign based on one or more of the following criteria: it is a conservative change, it occurs at a poorly conserved position in the protein, it is predicted to be benign by multiple in silico algorithms, and/or has population frequency not consistent with disease.

NM_019109.5(ALG1):c.902-20G>A

Gene: ALG1 (ALG1 chitobiosyldiphosphodolichol beta-mannosyltransferase; plus strand). Cytogenetic location: 16p13.3.
Variant type: single nucleotide variant.
Coding change: c.902-20G>A on transcript NM_019109.5 (MANE Select); 20 bases into the intron before coding-DNA position 902, G replaced by A.
Molecular consequence: intron variant.
Genome position (GRCh38, 1-based): chr16:5,079,728, G>A. VCF-style: chr16-5079728-G-A. GRCh37 (hg19) VCF-style: chr16-5129729-G-A.
Other names: c.569-20G>A (NM_001330504.2).
Identifiers: ClinVar variation 382798 (VCV000382798.10), dbSNP rs74249172, ClinGen allele CA7890102.